The following is an entry in ClinVar:

ClinVar aggregate classification (germline): Uncertain significance. Review status: criteria provided, multiple submitters, no conflicts (2 of 4 stars). 2 submissions from 2 submitters: Uncertain significance (2). Last evaluated 2025-12-02.

Conditions:
Hereditary cancer-predisposing syndrome. Also called: Hereditary Cancer Syndrome; Hereditary neoplastic syndrome; Tumor predisposition; Neoplastic Syndromes, Hereditary. Identifiers: Orphanet 140162, MedGen C0027672, MeSH D009386, MONDO:0015356.

Allele frequency attached by ClinVar (database versions not stated): gnomAD exomes below 0.00001.
gnomAD v4.1: 1 of 1,613,860 alleles (0.000062%); highest among the groups gnomAD compares: Non-Finnish European, 0.000085%; no homozygotes.

Submissions (2):

Labcorp Genetics (formerly Invitae), Labcorp
Classification: Uncertain significance. Last evaluated: 2025-12-02. Review status: criteria provided, single submitter. Criteria: Invitae Variant Classification Sherloc (09022015). Collection method: clinical testing. Allele origin: germline.
Comment: This sequence change creates a premature translational stop signal (p.Gln820*) in the CTNNA1 gene. While this is not anticipated to result in nonsense mediated decay, it is expected to disrupt the last 87 amino acid(s) of the CTNNA1 protein. This variant is not present in population databases (gnomAD no frequency). This variant has not been reported in the literature in individuals affected with CTNNA1-related conditions. ClinVar contains an entry for this variant (Variation ID: 1791573). Experimental studies and prediction algorithms are not available or were not evaluated, and the functional significance of this variant is currently unknown. In summary, the available evidence is currently insufficient to determine the role of this variant in disease. Therefore, it has been classified as a Variant of Uncertain Significance.

Ambry Genetics
Classification: Uncertain significance for Hereditary cancer-predisposing syndrome. Last evaluated: 2022-03-11. Review status: criteria provided, single submitter. Criteria: Ambry Variant Classification Scheme 2023. Collection method: clinical testing. Allele origin: germline.
Comment: The p.Q820* variant (also known as c.2458C>T), located in coding exon 17 of the CTNNA1 gene, results from a C to T substitution at nucleotide position 2458. This changes the amino acid from a glutamine to a stop codon within coding exon 17. The evidence for this gene-disease relationship is limited; therefore, the clinical significance of this alteration is unclear.

NM_001903.5(CTNNA1):c.2458C>T (p.Gln820Ter)

Gene: CTNNA1 (catenin alpha 1; plus strand). Cytogenetic location: 5q31.2.
Variant type: single nucleotide variant.
Coding change: c.2458C>T on transcript NM_001903.5 (MANE Select); coding-DNA position 2458, C replaced by T.
Protein change: p.Gln820Ter; replaces glutamine 820 with a stop codon.
Molecular consequence: nonsense. On other transcripts: 3 prime UTR variant (5), intron variant (1).
Genome position (GRCh38, 1-based): chr5:138,933,826, C>T. VCF-style: chr5-138933826-C-T. GRCh37 (hg19) VCF-style: chr5-138269515-C-T.
Other names: c.*3C>T (NM_001290307.3, NM_001324002.1, NM_001324003.1 and 2 more transcripts); c.2149C>T, p.Gln717Ter (NM_001290309.3); c.2089C>T, p.Gln697Ter (NM_001290310.3); c.1348C>T, p.Gln450Ter (NM_001290312.1, NM_001323987.1, NM_001323988.1 and 12 more transcripts); c.2458C>T, p.Gln820Ter (NM_001323982.2, NM_001323983.1, NM_001323984.2); c.2365C>T, p.Gln789Ter (NM_001323986.2); c.1213C>T, p.Gln405Ter (NM_001324001.1); c.1009C>T, p.Gln337Ter (NM_001324006.1, NM_001324007.1, NM_001324008.1 and 2 more transcripts); and 3 more; short protein forms Q337*, Q450*, Q789*, Q820*, Q405*, Q419*, Q697*, Q717*.
Identifiers: ClinVar variation 1791573 (VCV001791573.7), dbSNP rs2533948234, ClinGen allele CA361135018.
Genomic context (GRCh38, chr5:138,933,826, plus strand): 5'-GGCCGGTGCTTCTTACCACCCCTGTCTGCCTCGTAGGTGGACAGCGCCATGTCCCTGATC[C>T]AGGCAGCCAAGAACTTGATGAATGCTGTGGTGCAGACAGTGAAGGCATCCTACGTCGCCT-3'